The following is an entry in ClinVar:

NM_001197104.2(KMT2A):c.9041C>G (p.Ser3014Ter)

Gene: KMT2A (lysine methyltransferase 2A; plus strand). Cytogenetic location: 11q23.3.
Variant type: single nucleotide variant.
Coding change: c.9041C>G on transcript NM_001197104.2 (MANE Select); coding-DNA position 9041, C replaced by G.
Protein change: p.Ser3014Ter; replaces serine 3014 with a stop codon.
Molecular consequence: nonsense.
Genome position (GRCh38, 1-based): chr11:118,504,933, C>G. VCF-style: chr11-118504933-C-G. GRCh37 (hg19) VCF-style: chr11-118375648-C-G.
Other names: c.9131C>G, p.Ser3044Ter (NM_001412597.1); c.9032C>G, p.Ser3011Ter (NM_005933.4); short protein forms S3011*, S3014*, S3044*.
Identifiers: ClinVar variation 4537860 (VCV004537860.1).

ClinVar aggregate classification (germline): Pathogenic (1 of 4 stars; one submission).

Submission:

GeneDx
Classification: Pathogenic. Last evaluated: 2025-06-11. Review status: criteria provided, single submitter. Criteria: GeneDx Variant Classification Process June 2021. Collection method: clinical testing. Allele origin: germline. Affected: yes.
Comment: Has not been previously published as pathogenic or benign to our knowledge; Not observed at significant frequency in large population cohorts (gnomAD); Nonsense variant predicted to result in protein truncation or nonsense mediated decay in a gene for which loss of function is a known mechanism of disease